The following is an entry in ClinVar:

ClinVar aggregate classification (germline): Uncertain significance (1 of 4 stars; one submission).

Conditions:
Hereditary cancer-predisposing syndrome. Also called: Tumor predisposition; Hereditary Cancer Syndrome; Neoplastic Syndromes, Hereditary; Hereditary neoplastic syndrome. Identifiers: Orphanet 140162, MedGen C0027672, MeSH D009386, MONDO:0015356.

Submission:

Ambry Genetics
Classification: Uncertain significance for Hereditary cancer-predisposing syndrome. Last evaluated: 2023-05-24. Review status: criteria provided, single submitter. Criteria: Ambry Variant Classification Scheme 2023. Collection method: clinical testing. Allele origin: germline.
Comment: The p.S346A variant (also known as c.1036T>G), located in coding exon 8 of the SDHA gene, results from a T to G substitution at nucleotide position 1036. The serine at codon 346 is replaced by alanine, an amino acid with similar properties. This amino acid position is highly conserved in available vertebrate species. In addition, the in silico prediction for this alteration is inconclusive. Since supporting evidence is limited at this time, the clinical significance of this alteration remains unclear.

NM_004168.4(SDHA):c.1036T>G (p.Ser346Ala)

Gene: SDHA (succinate dehydrogenase complex flavoprotein subunit A; plus strand). Cytogenetic location: 5p15.33.
Variant type: single nucleotide variant.
Coding change: c.1036T>G on transcript NM_004168.4 (MANE Select); coding-DNA position 1036, T replaced by G.
Protein change: p.Ser346Ala; replaces serine 346 with alanine.
Molecular consequence: missense variant.
Genome position (GRCh38, 1-based): chr5:233,617, T>G. VCF-style: chr5-233617-T-G. GRCh37 (hg19) VCF-style: chr5-233732-T-G.
Other names: c.892T>G, p.Ser298Ala (NM_001294332.2); c.1036T>G, p.Ser346Ala (NM_001330758.2); short protein forms S346A, S298A.
Identifiers: ClinVar variation 822058 (VCV000822058.5), dbSNP rs1579402650, ClinGen allele CA359012939.